The following is an entry in ClinVar:

NM_130837.3(OPA1):c.679-3C>T

Genes: OPA1 (OPA1 mitochondrial dynamin like GTPase; plus strand), OPA1-AS1 (OPA1 antisense RNA 1; minus strand). Cytogenetic location: 3q29.
Variant type: single nucleotide variant.
Coding change: c.679-3C>T on transcript NM_130837.3 (MANE Select); 3 bases into the intron before coding-DNA position 679, C replaced by T.
Molecular consequence: intron variant.
Genome position (GRCh38, 1-based): chr3:193,626,089, C>T. VCF-style: chr3-193626089-C-T. GRCh37 (hg19) VCF-style: chr3-193343878-C-T.
Other names: c.253-5523C>T (NM_001354664.2); c.145-3C>T (NM_001354663.2); c.679-5523C>T (NM_130834.3); c.625-3C>T (NM_130836.3); c.625-5523C>T (NM_015560.3); c.571-3C>T (NM_130835.3); c.571-5523C>T (NM_130832.3); c.517-3C>T (NM_130833.3); and 1 more.
Identifiers: ClinVar variation 1403846 (VCV001403846.6), dbSNP rs1392546160, ClinGen allele CA904549399.

ClinVar aggregate classification (germline): Uncertain significance (1 of 4 stars; one submission).

Submission:

Labcorp Genetics (formerly Invitae), Labcorp
Classification: Uncertain significance. Last evaluated: 2022-09-06. Review status: criteria provided, single submitter. Criteria: Invitae Variant Classification Sherloc (09022015). Collection method: clinical testing. Allele origin: germline.
Comment: In summary, the available evidence is currently insufficient to determine the role of this variant in disease. Therefore, it has been classified as a Variant of Uncertain Significance. Variants that disrupt the consensus splice site are a relatively common cause of aberrant splicing (PMID: 17576681, 9536098). Algorithms developed to predict the effect of sequence changes on RNA splicing suggest that this variant may disrupt the consensus splice site. ClinVar contains an entry for this variant (Variation ID: 1403846). This variant has not been reported in the literature in individuals affected with OPA1-related conditions. This variant is not present in population databases (gnomAD no frequency). This sequence change falls in intron 6 of the OPA1 gene. It does not directly change the encoded amino acid sequence of the OPA1 protein. It affects a nucleotide within the consensus splice site. The OPA1 gene has multiple clinically relevant transcripts. This variant occurs in alternate transcript NM_130837.2, and corresponds to NM_015560.2:c.625-5523C>T in the primary transcript.

Literature cited by the submitters: PubMed 17576681; PubMed 9536098.